The following is an entry in ClinVar:

NM_022725.4(FANCF):c.1056A>C (p.Leu352Phe)

Genes: FANCF (FA complementation group F; minus strand), LOC130005443 (ATAC-STARR-seq lymphoblastoid active region 4533; plus strand). Cytogenetic location: 11p14.3.
Variant type: single nucleotide variant.
Coding change: c.1056A>C on transcript NM_022725.4 (MANE Select); coding-DNA position 1056, A replaced by C.
Protein change: p.Leu352Phe; replaces leucine 352 with phenylalanine.
Molecular consequence: missense variant.
Genome position (GRCh38, 1-based): chr11:22,624,755, T>G on the plus strand (A>C on the coding strand, the complement: FANCF is on the minus strand). VCF-style: chr11-22624755-T-G. GRCh37 (hg19) VCF-style: chr11-22646301-T-G.
Other names: short protein forms L352F.
Identifiers: ClinVar variation 1691923 (VCV001691923.5), dbSNP rs754545069, ClinGen allele CA5924199.

ClinVar aggregate classification (germline): Uncertain significance. Review status: criteria provided, multiple submitters, no conflicts (2 of 4 stars). 3 submissions from 3 submitters: Uncertain significance (3). Last evaluated 2024-04-10.

Conditions:
Fanconi anemia (FA). Also called: Fanconi's anemia. Identifiers: Orphanet 84, MedGen C0015625, MeSH D005199, MONDO:0019391.
Fanconi anemia complementation group F. Also called: FANCF-Related Fanconi Anemia. Identifiers: Orphanet 84, MedGen C3469526, MONDO:0011325, OMIM 603467.

Allele frequency attached by ClinVar (database versions not stated): gnomAD exomes below 0.00001 and 0.00002; TOPMed below 0.00001; ExAC 0.00001; gnomAD 0.00001.
gnomAD v4.1: 27 of 1,614,056 alleles (0.0017%); highest among the groups gnomAD compares: Non-Finnish European, 0.0023%; no homozygotes.

Submissions (3):

Fulgent Genetics
Classification: Uncertain significance for Fanconi anemia complementation group F. Last evaluated: 2024-04-10. Review status: criteria provided, single submitter. Criteria: ACMG Guidelines, 2015. Collection method: clinical testing. Allele origin: germline.

Labcorp Genetics (formerly Invitae), Labcorp
Classification: Uncertain significance for Fanconi anemia. Last evaluated: 2021-12-16. Review status: criteria provided, single submitter. Criteria: Invitae Variant Classification Sherloc (09022015). Collection method: clinical testing. Allele origin: germline.
Comment: In summary, the available evidence is currently insufficient to determine the role of this variant in disease. Therefore, it has been classified as a Variant of Uncertain Significance. Algorithms developed to predict the effect of missense changes on protein structure and function are either unavailable or do not agree on the potential impact of this missense change (SIFT: "Deleterious"; PolyPhen-2: "Benign"; Align-GVGD: "Class C0"). This variant has not been reported in the literature in individuals affected with FANCF-related conditions. This variant is present in population databases (rs754545069, gnomAD 0.0009%). This sequence change replaces leucine, which is neutral and non-polar, with phenylalanine, which is neutral and non-polar, at codon 352 of the FANCF protein (p.Leu352Phe).

Sema4
Classification: Uncertain significance for Fanconi anemia. Last evaluated: 2021-07-19. Review status: criteria provided, single submitter. Criteria: Sema4 Curation Guidelines. Collection method: curation. Allele origin: germline.
Comment: The FANCF c.1056A>C (p.L352F) variant has not been reported in the literature to our knowledge. It was observed in 1/113768 chromosomes of the Non-Finnish European subpopulation in the large and broad cohorts of the Genome Aggregation Database. The variant has not been reported in ClinVar. Functional studies have not been performed and in silico predictions of the variant's effect on protein function are inconclusive. The evidence is insufficient to meet ACMG/AMP criteria for classifying the variant as benign or pathogenic. Thus, the clinical significance of this variant is currently uncertain.